The following is an entry in ClinVar:

ClinVar aggregate classification (germline): Uncertain significance (1 of 4 stars; one submission).

Submission:

GeneDx
Classification: Uncertain significance. Last evaluated: 2025-04-25. Review status: criteria provided, single submitter. Criteria: GeneDx Variant Classification Process June 2021. Collection method: clinical testing. Allele origin: germline. Affected: yes.
Comment: Not observed at significant frequency in large population cohorts (gnomAD); In silico analysis indicates that this missense variant does not alter protein structure/function; Has not been previously published as pathogenic or benign to our knowledge

NM_000718.4(CACNA1B):c.5980G>C (p.Glu1994Gln)

Gene: CACNA1B (calcium voltage-gated channel subunit alpha1 B; plus strand). Cytogenetic location: 9q34.3.
Variant type: single nucleotide variant.
Coding change: c.5980G>C on transcript NM_000718.4 (MANE Select); coding-DNA position 5980, G replaced by C.
Protein change: p.Glu1994Gln; replaces glutamic acid 1994 with glutamine.
Molecular consequence: missense variant.
Genome position (GRCh38, 1-based): chr9:138,118,718, G>C. VCF-style: chr9-138118718-G-C. GRCh37 (hg19) VCF-style: chr9-141013170-G-C.
Other names: c.5980G>C, p.Glu1994Gln (NM_001243812.2); short protein forms E1994Q.
Identifiers: ClinVar variation 4527244 (VCV004527244.1).